The following is an entry in ClinVar:

ClinVar aggregate classification (germline): Uncertain significance. Review status: criteria provided, multiple submitters, no conflicts (2 of 4 stars). 3 submissions from 3 submitters: Uncertain significance (3). Last evaluated 2026-01-23.

Conditions:
Cardiovascular phenotype. Identifiers: MedGen CN230736.
Dilated cardiomyopathy 1O (CMD1O). Also called: CARDIOMYOPATHY, DILATED, WITH VENTRICULAR TACHYCARDIA. Identifiers: Orphanet 154, MedGen C1837839, MONDO:0012062, OMIM 608569.

Allele frequency attached by ClinVar (database versions not stated): gnomAD 0.00001; gnomAD exomes 0.00001; TOPMed 0.00002; ESP Exome Variant Server 0.00008.
gnomAD v4.1: 7 of 1,612,582 alleles (0.00043%); highest among the groups gnomAD compares: African/African-American, 0.0027%; no homozygotes.

Submissions (3):

Labcorp Genetics (formerly Invitae), Labcorp
Classification: Uncertain significance for Dilated cardiomyopathy 1O. Last evaluated: 2026-01-23. Review status: criteria provided, single submitter. Criteria: Invitae Variant Classification Sherloc (09022015). Collection method: clinical testing. Allele origin: germline.
Comment: This sequence change replaces alanine, which is neutral and non-polar, with proline, which is neutral and non-polar, at codon 461 of the ABCC9 protein (p.Ala461Pro). This variant is present in population databases (rs374535641, gnomAD 0.004%). This missense change has been observed in individual(s) with dilated cardiomyopathy (PMID: 31983221). ClinVar contains an entry for this variant (Variation ID: 533286). Invitae Evidence Modeling of protein sequence and biophysical properties (such as structural, functional, and spatial information, amino acid conservation, physicochemical variation, residue mobility, and thermodynamic stability) has been performed for this missense variant. However, the output from this modeling did not meet the statistical confidence thresholds required to predict the impact of this variant on ABCC9 protein function. In summary, the available evidence is currently insufficient to determine the role of this variant in disease. Therefore, it has been classified as a Variant of Uncertain Significance.

Women's Health and Genetics/Laboratory Corporation of America, LabCorp
Classification: Uncertain significance. Last evaluated: 2025-10-29. Review status: criteria provided, single submitter. Criteria: LabCorp Variant Classification Summary - May 2015. Collection method: clinical testing. Allele origin: germline.
Comment: Variant summary: ABCC9 c.1381G>C (p.Ala461Pro) results in a non-conservative amino acid change in the encoded protein sequence. Algorithms developed to predict the effect of missense changes on protein structure and function all suggest that this variant is likely to be disruptive. The variant allele was found at a frequency of 1.2e-05 in 250706 control chromosomes (gnomAD). The available data on variant occurrences in the general population are insufficient to allow any conclusion about variant significance. c.1381G>C has been observed in one individual affected with Dilated Cardiomyopathy (Mazzarotto_2020). These report does not provide unequivocal conclusions about association of the variant with Dilated Cardiomyopathy. To our knowledge, no experimental evidence demonstrating an impact on protein function has been reported. The following publication have been ascertained in the context of this evaluation (PMID: 31983221). ClinVar contains an entry for this variant (Variation ID: 533286). Based on the evidence outlined above, the variant was classified as uncertain significance.

Ambry Genetics
Classification: Uncertain significance for Cardiovascular phenotype. Last evaluated: 2022-09-19. Review status: criteria provided, single submitter. Criteria: Ambry Variant Classification Scheme 2023. Collection method: clinical testing. Allele origin: germline.
Comment: The p.A461P variant (also known as c.1381G>C), located in coding exon 9 of the ABCC9 gene, results from a G to C substitution at nucleotide position 1381. The alanine at codon 461 is replaced by proline, an amino acid with highly similar properties. This variant has been detected in an individual from a dilated cardiomyopathy; however, details were limited (Mazzarotto F et al. Circulation, 2020 02;141:387-398). This amino acid position is well conserved in available vertebrate species. In addition, this alteration is predicted to be deleterious by in silico analysis. Since supporting evidence is limited at this time, the clinical significance of this alteration remains unclear.

Literature cited by the submitters: PubMed 31983221 (cited by 3 submitters); PubMed 27101133 (cited by Ambry Genetics).

NM_020297.4(ABCC9):c.1381G>C (p.Ala461Pro)

Gene: ABCC9 (ATP binding cassette subfamily C member 9; minus strand). Cytogenetic location: 12p12.1.
Variant type: single nucleotide variant.
Coding change: c.1381G>C on transcript NM_020297.4 (MANE Select); coding-DNA position 1381, G replaced by C.
Protein change: p.Ala461Pro; replaces alanine 461 with proline.
Molecular consequence: missense variant.
Genome position (GRCh38, 1-based): chr12:21,908,151, C>G on the plus strand (G>C on the coding strand, the complement: ABCC9 is on the minus strand). VCF-style: chr12-21908151-C-G. GRCh37 (hg19) VCF-style: chr12-22061085-C-G.
Other names: c.1381G>C, p.Ala461Pro (NM_001377273.1, NM_005691.4); c.517G>C, p.Ala173Pro (NM_001377274.1); short protein forms A461P, A173P.
Identifiers: ClinVar variation 533286 (VCV000533286.9), dbSNP rs374535641, ClinGen allele CA233634057.